The following is an entry in ClinVar:

ClinVar aggregate classification (germline): Uncertain significance (1 of 4 stars; one submission).

Conditions:
Gnathodiaphyseal dysplasia (GDD). Also called: GNATHODIAPHYSEAL SCLEROSIS; OSTEOGENESIS IMPERFECTA WITH UNUSUAL SKELETAL LESIONS. Identifiers: Orphanet 53697, MedGen C1833736, MONDO:0008151, OMIM 166260.
Autosomal recessive limb-girdle muscular dystrophy type 2L (LGMDR12). Also called: Limb-girdle muscular dystrophy, type 2L; MUSCULAR DYSTROPHY, LIMB-GIRDLE, AUTOSOMAL RECESSIVE 12; Limb-Girdle Muscular Dystrophy R12 Anoctamin-5-Related (LGMD-R12). Identifiers: Orphanet 206549, MedGen C1969785, MONDO:0012652, OMIM 611307.

Allele frequency attached by ClinVar (database versions not stated): gnomAD exomes below 0.00001.
gnomAD v4.1: 1 of 1,610,418 alleles (0.000062%); highest among the groups gnomAD compares: Non-Finnish European, 0.000085%; no homozygotes.

Submission:

Labcorp Genetics (formerly Invitae), Labcorp
Classification: Uncertain significance for Autosomal recessive limb-girdle muscular dystrophy type 2L; Gnathodiaphyseal dysplasia. Last evaluated: 2023-06-23. Review status: criteria provided, single submitter. Criteria: Invitae Variant Classification Sherloc (09022015). Collection method: clinical testing. Allele origin: germline.
Comment: In summary, the available evidence is currently insufficient to determine the role of this variant in disease. Therefore, it has been classified as a Variant of Uncertain Significance. Algorithms developed to predict the effect of sequence changes on RNA splicing suggest that this variant may create or strengthen a splice site. This variant has not been reported in the literature in individuals affected with ANO5-related conditions. This variant is not present in population databases (gnomAD no frequency). This sequence change disrupts the translational stop signal of the ANO5 mRNA. It is expected to extend the length of the ANO5 protein by 3 additional amino acid residues.

NM_213599.3(ANO5):c.2740T>C (p.Ter914Gln)

Gene: ANO5 (anoctamin 5; plus strand). Cytogenetic location: 11p14.3.
Variant type: single nucleotide variant.
Coding change: c.2740T>C on transcript NM_213599.3 (MANE Select); coding-DNA position 2740, T replaced by C.
Protein change: p.Ter914Gln.
Molecular consequence: stop lost.
Genome position (GRCh38, 1-based): chr11:22,279,763, T>C. VCF-style: chr11-22279763-T-C. GRCh37 (hg19) VCF-style: chr11-22301309-T-C.
Other names: c.2737T>C, p.Ter913Gln (NM_001142649.2); c.2698T>C, p.Ter900Gln (NM_001410963.1); c.2695T>C, p.Ter899Gln (NM_001410964.1).
Identifiers: ClinVar variation 2933109 (VCV002933109.3), dbSNP rs2494413942, ClinGen allele CA379925588.